The following is an entry in ClinVar:

NM_000059.4(BRCA2):c.10211G>A (p.Cys3404Tyr)

Gene: BRCA2 (BRCA2 DNA repair associated; plus strand). Cytogenetic location: 13q13.1.
Variant type: single nucleotide variant.
Coding change: c.10211G>A on transcript NM_000059.4 (MANE Select); coding-DNA position 10211, G replaced by A.
Protein change: p.Cys3404Tyr; replaces cysteine 3404 with tyrosine.
Molecular consequence: missense variant.
Genome position (GRCh38, 1-based): chr13:32,398,724, G>A. VCF-style: chr13-32398724-G-A. GRCh37 (hg19) VCF-style: chr13-32972861-G-A.
Other names: short protein forms C3404Y.
Identifiers: ClinVar variation 142649 (VCV000142649.24), dbSNP rs587782614, ClinGen allele CA010473.
Genomic context (GRCh38, chr13:32,398,724, plus strand): 5'-GACGTTGTACTACATCTCTGATCAAAGAACAGGAGAGTTCCCAGGCCAGTACGGAAGAAT[G>A]TGAGAAAAATAAGCAGGACACAATTACAACTAAAAAATATATCTAAGCATTTGCAAAGGC-3'
Protein context (NP_000050.3, residues 3394-3414): QESSQASTEE[Cys3404Tyr]EKNKQDTITT

ClinVar aggregate classification (germline): Conflicting classifications of pathogenicity. Review status: criteria provided, conflicting classifications (1 of 4 stars). 5 submissions from 5 submitters: Uncertain significance (3); Likely benign (2). Last evaluated 2025-12-29.

Conditions:
Hereditary cancer-predisposing syndrome. Also called: Hereditary Cancer Syndrome; Neoplastic Syndromes, Hereditary; Hereditary neoplastic syndrome; Tumor predisposition. Identifiers: Orphanet 140162, MedGen C0027672, MeSH D009386, MONDO:0015356.
Hereditary breast ovarian cancer syndrome. Also called: BRCA1- and BRCA2-Associated Hereditary Breast and Ovarian Cancer; Hereditary breast and ovarian cancer syndrome; Hereditary breast and/or ovarian cancer syndrome; Breast and ovarian cancer; Hereditary breast and ovarian cancer; Hereditary breast and ovarian cancer syndrome (HBOC). Identifiers: Orphanet 145, MedGen C0677776, MeSH D061325, MONDO:0003582. Disease mechanism: loss of function.

Allele frequency attached by ClinVar (database versions not stated): gnomAD exomes below 0.00001; TOPMed below 0.00001.
gnomAD v4.1: 3 of 1,613,792 alleles (0.00019%); highest among the groups gnomAD compares: Non-Finnish European, 0.00017%; no homozygotes.

Submissions (5):

Center for Genomic Medicine, Rigshospitalet, Copenhagen University Hospital
Classification: Likely benign. Last evaluated: 2025-12-29. Review status: criteria provided, single submitter. Criteria: ACMG Guidelines, 2015. Collection method: clinical testing. Allele origin: germline.
Comment: Classification criteria: BP1_Strong

Quest Diagnostics Nichols Institute San Juan Capistrano
Classification: Uncertain significance. Last evaluated: 2025-10-30. Review status: criteria provided, single submitter. Criteria: Quest Diagnostics criteria. Collection method: clinical testing. Allele origin: unknown.
Comment: The BRCA2 c.10211G>A (p.Cys3404Tyr) variant has been reported in the published literature in a reportedly unaffected individual in a large scale breast cancer association study (PMID: 33471991 (2021), see also LOVD). This variant has not been reported in large, multi-ethnic general populations (Genome Aggregation Database). Analysis of this variant using bioinformatics tools for the prediction of the effect of amino acid changes on protein structure and function yielded predictions that this variant is benign. Based on the available information, we are unable to determine the clinical significance of this variant.

Labcorp Genetics (formerly Invitae), Labcorp
Classification: Uncertain significance for Hereditary breast ovarian cancer syndrome. Last evaluated: 2025-05-21. Review status: criteria provided, single submitter. Criteria: Invitae Variant Classification Sherloc (09022015). Collection method: clinical testing. Allele origin: germline.
Comment: This sequence change replaces cysteine, which is neutral and slightly polar, with tyrosine, which is neutral and polar, at codon 3404 of the BRCA2 protein (p.Cys3404Tyr). This variant is not present in population databases (gnomAD no frequency). This variant has not been reported in the literature in individuals affected with BRCA2-related conditions. ClinVar contains an entry for this variant (Variation ID: 142649). Invitae Evidence Modeling of protein sequence and biophysical properties (such as structural, functional, and spatial information, amino acid conservation, physicochemical variation, residue mobility, and thermodynamic stability) indicates that this missense variant is not expected to disrupt BRCA2 protein function with a negative predictive value of 95%. In summary, the available evidence is currently insufficient to determine the role of this variant in disease. Therefore, it has been classified as a Variant of Uncertain Significance.

Ambry Genetics
Classification: Likely benign for Hereditary cancer-predisposing syndrome. Last evaluated: 2024-03-14. Review status: criteria provided, single submitter. Criteria: Ambry Variant Classification Scheme 2023. Collection method: clinical testing. Allele origin: germline.

Women's Health and Genetics/Laboratory Corporation of America, LabCorp
Classification: Uncertain significance. Last evaluated: 2023-02-25. Review status: criteria provided, single submitter. Criteria: LabCorp Variant Classification Summary - May 2015. Collection method: clinical testing. Allele origin: germline.

Literature cited by the submitters: PubMed 33471991 (cited by Quest Diagnostics Nichols Institute San Juan Capistrano).